The following is an entry in ClinVar:

NM_004606.5(TAF1):c.3228-6T>C

Gene: TAF1 (TATA-box binding protein associated factor 1; plus strand). Cytogenetic location: Xq13.1.
Variant type: single nucleotide variant.
Coding change: c.3228-6T>C on transcript NM_004606.5 (MANE Select); 6 bases into the intron before coding-DNA position 3228, T replaced by C.
Molecular consequence: intron variant.
Genome position (GRCh38, 1-based): chrX:71,394,061, T>C. VCF-style: chrX-71394061-T-C. GRCh37 (hg19) VCF-style: chrX-70613911-T-C.
Other names: p.?; c.3228-6T>C (NM_001286074.2); c.3165-6T>C (NM_138923.4); c.3288-6T>C (NM_001286074.1).
Identifiers: ClinVar variation 695668 (VCV000695668.38), dbSNP rs376706489, ClinGen allele CA10447014.

ClinVar aggregate classification (germline): Benign/Likely benign. Review status: criteria provided, multiple submitters, no conflicts (2 of 4 stars). 6 submissions from 6 submitters: Benign (1); Likely benign (4). 1 of the submissions does not count toward it. Last evaluated 2025-10-22.

Conditions:
TAF1-related disorder. Also called: TAF1-related condition.
Genetic developmental and epileptic encephalopathy. Identifiers: MedGen CN379639, MONDO:0100062.

Allele frequency attached by ClinVar (database versions not stated): gnomAD exomes 0.00050 and 0.00115; ESP Exome Variant Server 0.00057; TOPMed 0.00060; ExAC 0.00062; gnomAD 0.00069.
gnomAD v4.1: 1,286 of 1,197,416 alleles (0.11%); highest among the groups gnomAD compares: Non-Finnish European, 0.14%; no homozygotes.

Submissions (6):

Labcorp Genetics (formerly Invitae), Labcorp
Classification: Benign. Last evaluated: 2025-10-22. Review status: criteria provided, single submitter. Criteria: Invitae Variant Classification Sherloc (09022015). Collection method: clinical testing. Allele origin: germline.

Mayo Clinic Laboratories, Mayo Clinic
Classification: Likely benign. Last evaluated: 2025-09-26. Review status: criteria provided, single submitter. Criteria: ACMG Guidelines, 2015. Collection method: clinical testing. Allele origin: germline. Observed: 3 variant alleles.
Comment: BP4, BP7

Blueprint Genetics
Classification: Likely benign. Last evaluated: 2024-10-22. Review status: criteria provided, single submitter. Criteria: ACMG Guidelines, 2015. Collection method: clinical testing. Allele origin: germline.

CeGaT Center for Human Genetics Tuebingen
Classification: Likely benign. Last evaluated: 2024-06-01. Review status: criteria provided, single submitter. Criteria: CeGaT Center For Human Genetics Tuebingen Variant Classification Criteria Version 2. Collection method: clinical testing. Allele origin: germline. Affected: yes. Observed: 5 variant alleles.
Comment: TAF1: BP4, BS2

Cambridge Genomics Laboratory, East Genomic Laboratory Hub, NHS Genomic Medicine Service
Classification: Likely benign for Genetic developmental and epileptic encephalopathy. Last evaluated: 2019-09-03. Review status: criteria provided, single submitter. Criteria: ACGS Best Practice Guidelines for Variant Classification in Rare Disease 2020. Collection method: clinical testing. Allele origin: germline. Affected: yes. Observed: 1 variant allele.

PreventionGenetics, part of Exact Sciences
Classification: Likely benign for TAF1-related condition. Last evaluated: 2019-12-04. Review status: no assertion criteria provided. Collection method: clinical testing. Allele origin: germline. Not counted in ClinVar's aggregate classification.
Comment: This variant is classified as likely benign based on ACMG/AMP sequence variant interpretation guidelines (Richards et al. 2015 PMID: 25741868, with internal and published modifications).